The following is an entry in ClinVar:

NM_000136.3(FANCC):c.457-10del

Gene: FANCC (FA complementation group C; minus strand). Cytogenetic location: 9q22.32.
Variant type: Deletion.
Coding change: c.457-10del on transcript NM_000136.3 (MANE Select); 10 bases into the intron before coding-DNA position 457, one base deleted (T; older notation c.457-10delT).
Molecular consequence: intron variant.
Genome position (GRCh38, 1-based): chr9:95,171,153, A deleted on the plus strand (T on the coding strand, the reverse complement: FANCC is on the minus strand); the first of 4 consecutive A bases (chr9:95,171,153-95,171,156); deleting any one gives the same sequence. VCF-style (leftmost placement, unchanged base first): chr9-95171152-CA-C. GRCh37 (hg19) VCF-style: chr9-97933434-CA-C.
Other names: c.457-10del (NM_001243743.2, NM_001243744.2); c.457-10delT (NM_000136.2).
Identifiers: ClinVar variation 570343 (VCV000570343.1), dbSNP rs763416214, ClinGen allele CA5137728.

ClinVar aggregate classification (germline): Uncertain significance (1 of 4 stars; one submission).

Conditions:
Fanconi anemia (FA). Also called: Fanconi's anemia. Identifiers: Orphanet 84, MedGen C0015625, MeSH D005199, MONDO:0019391.

Submission:

Labcorp Genetics (formerly Invitae), Labcorp
Classification: Uncertain significance for Fanconi anemia. Last evaluated: 2018-04-28. Review status: criteria provided, single submitter. Criteria: Invitae Variant Classification Sherloc (09022015). Collection method: clinical testing. Allele origin: germline.
Comment: This sequence change falls in intron 5 of the FANCC gene. It does not directly change the encoded amino acid sequence of the FANCC protein. This variant is present in population databases (rs763416214, ExAC 0.002%). This variant has not been reported in the literature in individuals with FANCC-related disease. Algorithms developed to predict the effect of sequence changes on RNA splicing suggest that this variant may disrupt the consensus splice site, but this prediction has not been confirmed by published transcriptional studies. In summary, the available evidence is currently insufficient to determine the role of this variant in disease. Therefore, it has been classified as a Variant of Uncertain Significance.